The following is an entry in ClinVar:

ClinVar aggregate classification (germline): Uncertain significance. Review status: criteria provided, multiple submitters, no conflicts (2 of 4 stars). 2 submissions from 2 submitters: Uncertain significance (2). Last evaluated 2023-06-27.

Allele frequency attached by ClinVar (database versions not stated): gnomAD 0.00002; gnomAD exomes 0.00002 and 0.00003; TOPMed 0.00002.
gnomAD v4.1: 23 of 1,264,808 alleles (0.0018%); highest among the groups gnomAD compares: Non-Finnish European, 0.0025%; no homozygotes.

Submissions (2):

Blueprint Genetics
Classification: Uncertain significance. Last evaluated: 2023-06-27. Review status: criteria provided, single submitter. Criteria: ACMG Guidelines, 2015. Collection method: clinical testing. Allele origin: germline.

Labcorp Genetics (formerly Invitae), Labcorp
Classification: Uncertain significance. Last evaluated: 2022-02-17. Review status: criteria provided, single submitter. Criteria: Invitae Variant Classification Sherloc (09022015). Collection method: clinical testing. Allele origin: germline.
Comment: In summary, the available evidence is currently insufficient to determine the role of this variant in disease. Therefore, it has been classified as a Variant of Uncertain Significance. Algorithms developed to predict the effect of sequence changes on RNA splicing suggest that this variant may disrupt the consensus splice site. ClinVar contains an entry for this variant (Variation ID: 1062563). This variant has not been reported in the literature in individuals affected with CEP78-related conditions. This variant is present in population databases (no rsID available, gnomAD 0.007%). This sequence change falls in intron 9 of the CEP78 gene. It does not directly change the encoded amino acid sequence of the CEP78 protein.

NM_001330691.3(CEP78):c.1206-5T>C

Gene: CEP78 (centrosomal protein 78; plus strand). Cytogenetic location: 9q21.2.
Variant type: single nucleotide variant.
Coding change: c.1206-5T>C on transcript NM_001330691.3 (MANE Select); 5 bases into the intron before coding-DNA position 1206, T replaced by C.
Molecular consequence: intron variant.
Genome position (GRCh38, 1-based): chr9:78,253,227, T>C. VCF-style: chr9-78253227-T-C. GRCh37 (hg19) VCF-style: chr9-80868143-T-C.
Other names: c.1209-5T>C (NM_001349839.2, NM_001349840.2, NM_001098802.3 and 1 more transcripts); c.1206-5T>C (NM_001330693.3, NM_001349838.2, NM_001330694.2).
Identifiers: ClinVar variation 1062563 (VCV001062563.10), dbSNP rs1212548452, ClinGen allele CA588657565.
Genomic context (GRCh38, chr9:78,253,227, plus strand): 5'-TACCTAGTGTTAACTGGTGGTGTATTTACATCAAAATATAACTTAATTTATCGATATCTT[T>C]TTAGGGGTTTCCCATTAATCAAAACACGTGATATATGTAATCAGTTGCAGGTACGTAGTT-3'